The following is an entry in ClinVar:

ClinVar aggregate classification (germline): Uncertain significance (1 of 4 stars; one submission).

Submission:

GeneDx
Classification: Uncertain significance. Last evaluated: 2024-12-05. Review status: criteria provided, single submitter. Criteria: GeneDx Variant Classification Process June 2021. Collection method: clinical testing. Allele origin: germline. Affected: yes.
Comment: Not observed at significant frequency in large population cohorts (gnomAD); In silico analysis indicates that this missense variant does not alter protein structure/function; Has not been previously published as pathogenic or benign to our knowledge

NM_001348768.2(HECW2):c.2449A>G (p.Ile817Val)

Gene: HECW2 (HECT, C2 and WW domain containing E3 ubiquitin protein ligase 2; minus strand). Cytogenetic location: 2q32.3.
Variant type: single nucleotide variant.
Coding change: c.2449A>G on transcript NM_001348768.2 (MANE Select); coding-DNA position 2449, A replaced by G.
Protein change: p.Ile817Val; replaces isoleucine 817 with valine.
Molecular consequence: missense variant.
Genome position (GRCh38, 1-based): chr2:196,308,071, T>C on the plus strand (A>G on the coding strand, the complement: HECW2 is on the minus strand). VCF-style: chr2-196308071-T-C. GRCh37 (hg19) VCF-style: chr2-197172795-T-C.
Other names: c.1381A>G, p.Ile461Val (NM_001304840.3); c.2449A>G, p.Ile817Val (NM_020760.4); short protein forms I461V, I817V.
Identifiers: ClinVar variation 3901716 (VCV003901716.1).